The following is an entry in ClinVar:

NM_182961.4(SYNE1):c.20067+190G>T

Gene: SYNE1 (spectrin repeat containing nuclear envelope protein 1; minus strand). Cytogenetic location: 6q25.2.
Variant type: single nucleotide variant.
Coding change: c.20067+190G>T on transcript NM_182961.4 (MANE Select); 190 bases into the intron after coding-DNA position 20067, G replaced by T.
Molecular consequence: intron variant.
Genome position (GRCh38, 1-based): chr6:152,239,343, C>A on the plus strand (G>T on the coding strand, the complement: SYNE1 is on the minus strand). VCF-style: chr6-152239343-C-A. GRCh37 (hg19) VCF-style: chr6-152560478-C-A.
Other names: c.19854+190G>T (NM_033071.5).
Identifiers: ClinVar variation 670196 (VCV000670196.2), dbSNP rs4869757, ClinGen allele CA12213387.

ClinVar aggregate classification (germline): Benign. Review status: criteria provided, multiple submitters, no conflicts (2 of 4 stars). 2 submissions from 2 submitters: Benign (2). Last evaluated 2020-04-02.

Allele frequency attached by ClinVar (database versions not stated): gnomAD 0.74433 and 0.74475; TOPMed 0.74467; 1000 Genomes Project 30x 0.78357; 1000 Genomes Project 0.78554.
gnomAD v4.1: 113,168 of 152,114 alleles (74%); highest among the groups gnomAD compares: East Asian, 89%; 42,633 homozygotes.

Submissions (2):

Suna and Inan Kirac Foundation Neurodegeneration Research Laboratory, Koc University
Classification: Benign. Last evaluated: 2020-04-02. Review status: criteria provided, single submitter. Criteria: ACMG Guidelines, 2015. Collection method: case-control. Allele origin: germline.

GeneDx
Classification: Benign. Last evaluated: 2018-06-14. Review status: criteria provided, single submitter. Criteria: GeneDx Variant Classification (06012015). Collection method: clinical testing. Allele origin: germline. Affected: yes.
Comment: This variant is considered likely benign or benign based on one or more of the following criteria: it is a conservative change, it occurs at a poorly conserved position in the protein, it is predicted to be benign by multiple in silico algorithms, and/or has population frequency not consistent with disease.